The following is an entry in ClinVar:

NM_001127198.5(TMC6):c.983G>A (p.Cys328Tyr)

Gene: TMC6 (transmembrane channel like 6; minus strand). Cytogenetic location: 17q25.3.
Variant type: single nucleotide variant.
Coding change: c.983G>A on transcript NM_001127198.5 (MANE Select); coding-DNA position 983, G replaced by A.
Protein change: p.Cys328Tyr; replaces cysteine 328 with tyrosine.
Molecular consequence: missense variant. On other transcripts: non-coding transcript variant (4).
Genome position (GRCh38, 1-based): chr17:78,124,088, C>T on the plus strand (G>A on the coding strand, the complement: TMC6 is on the minus strand). VCF-style: chr17-78124088-C-T. GRCh37 (hg19) VCF-style: chr17-76120169-C-T.
Other names: c.983G>A, p.Cys328Tyr (NM_001321185.1, NM_001374593.1, NM_001374594.1 and 4 more transcripts); short protein forms C328Y.
Identifiers: ClinVar variation 1953749 (VCV001953749.2), dbSNP rs377696005, ClinGen allele CA8795919.
Genomic context (GRCh38, chr17:78,124,088, plus strand): 5'-CCCACAGTGGAGAGGTAGGCCAGGGGCATGTTGTAGGGCAGGCCACCCACCCTGGGTGTG[C>T]ACTGGCTGCCATCCAGGGGGCTGCCACACGGCTGGTTCAGCGTGGCGTTACTGTAGTGGC-3'
Protein context (NP_001120670.1, residues 318-338): PCGSPLDGSQ[Cys328Tyr]TPRVGGLPYN

ClinVar aggregate classification (germline): Uncertain significance (1 of 4 stars; one submission).

Conditions:
Epidermodysplasia verruciformis. Identifiers: Orphanet 302, MedGen C0014522, MONDO:0009176.

Allele frequency attached by ClinVar (database versions not stated): ExAC 0.00001; gnomAD 0.00001; TOPMed 0.00001; ESP Exome Variant Server 0.00008.

Submission:

Labcorp Genetics (formerly Invitae), Labcorp
Classification: Uncertain significance for Epidermodysplasia verruciformis. Last evaluated: 2022-02-14. Review status: criteria provided, single submitter. Criteria: Invitae Variant Classification Sherloc (09022015). Collection method: clinical testing. Allele origin: germline.
Comment: This sequence change replaces cysteine, which is neutral and slightly polar, with tyrosine, which is neutral and polar, at codon 328 of the TMC6 protein (p.Cys328Tyr). The frequency data for this variant in the population databases is considered unreliable, as metrics indicate poor data quality at this position in the gnomAD database. This variant has not been reported in the literature in individuals affected with TMC6-related conditions. Algorithms developed to predict the effect of missense changes on protein structure and function are either unavailable or do not agree on the potential impact of this missense change (SIFT: "Not Available"; PolyPhen-2: "Probably Damaging"; Align-GVGD: "Not Available"). In summary, the available evidence is currently insufficient to determine the role of this variant in disease. Therefore, it has been classified as a Variant of Uncertain Significance.